The following is an entry in ClinVar:

NM_006059.4(LAMC3):c.4030+5G>C

Gene: LAMC3 (laminin subunit gamma 3; plus strand). Cytogenetic location: 9q34.12.
Variant type: single nucleotide variant.
Coding change: c.4030+5G>C on transcript NM_006059.4 (MANE Select); 5 bases into the intron after coding-DNA position 4030, G replaced by C.
Molecular consequence: intron variant.
Genome position (GRCh38, 1-based): chr9:131,082,166, G>C. VCF-style: chr9-131082166-G-C. GRCh37 (hg19) VCF-style: chr9-133957553-G-C.
Identifiers: ClinVar variation 2018699 (VCV002018699.4), dbSNP rs774498189, ClinGen allele CA200677212.

ClinVar aggregate classification (germline): Uncertain significance (1 of 4 stars; one submission).

gnomAD v4.1: 1 of 1,605,788 alleles (0.000062%); highest among the groups gnomAD compares: African/African-American, 0.0013%; no homozygotes.

Submission:

Labcorp Genetics (formerly Invitae), Labcorp
Classification: Uncertain significance. Last evaluated: 2024-02-26. Review status: criteria provided, single submitter. Criteria: Invitae Variant Classification Sherloc (09022015). Collection method: clinical testing. Allele origin: germline.
Comment: This sequence change falls in intron 24 of the LAMC3 gene. It does not directly change the encoded amino acid sequence of the LAMC3 protein. It affects a nucleotide within the consensus splice site. This variant is not present in population databases (gnomAD no frequency). This variant has not been reported in the literature in individuals affected with LAMC3-related conditions. ClinVar contains an entry for this variant (Variation ID: 2018699). Variants that disrupt the consensus splice site are a relatively common cause of aberrant splicing (PMID: 17576681, 9536098). Algorithms developed to predict the effect of sequence changes on RNA splicing suggest that this variant may disrupt the consensus splice site. In summary, the available evidence is currently insufficient to determine the role of this variant in disease. Therefore, it has been classified as a Variant of Uncertain Significance.

Literature cited by the submitters: PubMed 17576681; PubMed 9536098.